The following is an entry in ClinVar:

NM_001382567.1(STIM1):c.1250G>A (p.Ser417Asn)

Gene: STIM1 (stromal interaction molecule 1; plus strand). Cytogenetic location: 11p15.4.
Variant type: single nucleotide variant.
Coding change: c.1250G>A on transcript NM_001382567.1 (MANE Select); coding-DNA position 1250, G replaced by A.
Protein change: p.Ser417Asn; replaces serine 417 with asparagine.
Molecular consequence: missense variant. On other transcripts: non-coding transcript variant (2).
Genome position (GRCh38, 1-based): chr11:4,083,274, G>A. VCF-style: chr11-4083274-G-A. GRCh37 (hg19) VCF-style: chr11-4104504-G-A.
Other names: c.1250G>A, p.Ser417Asn (NM_001277961.3, NM_001277962.2, NM_003156.4); c.1028G>A, p.Ser343Asn (NM_001382566.1, NM_001382573.1, NM_001382575.1 and 4 more transcripts); c.1271G>A, p.Ser424Asn (NM_001382568.1); c.1115G>A, p.Ser372Asn (NM_001382569.1); c.1022G>A, p.Ser341Asn (NM_001382570.1); c.770G>A, p.Ser257Asn (NM_001382571.1); c.761G>A, p.Ser254Asn (NM_001382580.1, NM_001382581.1); short protein forms S254N, S424N, S257N, S343N, S372N, S341N, S417N.
Identifiers: ClinVar variation 1482477 (VCV001482477.8), dbSNP rs1025014749, ClinGen allele CA216529694.

ClinVar aggregate classification (germline): Uncertain significance (1 of 4 stars; one submission).

Conditions:
Myopathy with tubular aggregates (TAM). Also called: Tubular Aggregate Myopathy. Identifiers: Orphanet 2593, MedGen C0410207, MONDO:0008051.
Stormorken syndrome (STRMK). Also called: THROMBOCYTOPATHY, ASPLENIA, AND MIOSIS. Identifiers: Orphanet 3204, MedGen C1861451, MONDO:0008497, OMIM 185070.
Combined immunodeficiency due to STIM1 deficiency. Also called: STIM1 DEFICIENCY; IMMUNODEFICIENCY 10. Identifiers: Orphanet 169090, Orphanet 317430, MedGen C2748557, MONDO:0013008, OMIM 612783.

Allele frequency attached by ClinVar (database versions not stated): gnomAD exomes below 0.00001; TOPMed below 0.00001.
gnomAD v4.1: 4 of 1,614,204 alleles (0.00025%); highest among the groups gnomAD compares: Non-Finnish European, 0.00034%; no homozygotes.

Submission:

Labcorp Genetics (formerly Invitae), Labcorp
Classification: Uncertain significance for Myopathy with tubular aggregates; Combined immunodeficiency due to STIM1 deficiency; Stormorken syndrome. Last evaluated: 2022-08-12. Review status: criteria provided, single submitter. Criteria: Invitae Variant Classification Sherloc (09022015). Collection method: clinical testing. Allele origin: germline.
Comment: This sequence change replaces serine, which is neutral and polar, with asparagine, which is neutral and polar, at codon 417 of the STIM1 protein (p.Ser417Asn). This variant is not present in population databases (gnomAD no frequency). In summary, the available evidence is currently insufficient to determine the role of this variant in disease. Therefore, it has been classified as a Variant of Uncertain Significance. Algorithms developed to predict the effect of missense changes on protein structure and function are either unavailable or do not agree on the potential impact of this missense change (SIFT: "Tolerated"; PolyPhen-2: "Possibly Damaging"; Align-GVGD: "Class C0"). ClinVar contains an entry for this variant (Variation ID: 1482477). This variant has not been reported in the literature in individuals affected with STIM1-related conditions.